The following is an entry in ClinVar:

ClinVar aggregate classification (germline): Uncertain significance. Review status: criteria provided, multiple submitters, no conflicts (2 of 4 stars). 3 submissions from 3 submitters: Uncertain significance (3). Last evaluated 2024-09-14.

Conditions:
Breast-ovarian cancer, familial, susceptibility to, 4. Identifiers: Orphanet 145, MedGen C3280345, MONDO:0013669, OMIM 614291.
Hereditary cancer-predisposing syndrome. Also called: Neoplastic Syndromes, Hereditary; Tumor predisposition; Hereditary neoplastic syndrome; Hereditary Cancer Syndrome. Identifiers: Orphanet 140162, MedGen C0027672, MeSH D009386, MONDO:0015356.

Submissions (3):

Labcorp Genetics (formerly Invitae), Labcorp
Classification: Uncertain significance for Breast-ovarian cancer, familial, susceptibility to, 4. Last evaluated: 2024-09-14. Review status: criteria provided, single submitter. Criteria: Invitae Variant Classification Sherloc (09022015). Collection method: clinical testing. Allele origin: germline.
Comment: This sequence change replaces leucine, which is neutral and non-polar, with phenylalanine, which is neutral and non-polar, at codon 12 of the RAD51D protein (p.Leu12Phe). This variant is not present in population databases (gnomAD no frequency). This variant has not been reported in the literature in individuals affected with RAD51D-related conditions. ClinVar contains an entry for this variant (Variation ID: 823855). An algorithm developed to predict the effect of missense changes on protein structure and function (PolyPhen-2) suggests that this variant is likely to be disruptive. In summary, the available evidence is currently insufficient to determine the role of this variant in disease. Therefore, it has been classified as a Variant of Uncertain Significance.

Ambry Genetics
Classification: Uncertain significance for Hereditary cancer-predisposing syndrome. Last evaluated: 2024-05-23. Review status: criteria provided, single submitter. Criteria: Ambry Variant Classification Scheme 2023. Collection method: clinical testing. Allele origin: germline.
Comment: The p.L12F variant (also known as c.34C>T), located in coding exon 1 of the RAD51D gene, results from a C to T substitution at nucleotide position 34. The leucine at codon 12 is replaced by phenylalanine, an amino acid with highly similar properties. This amino acid position is highly conserved in available vertebrate species. In addition, this alteration is predicted to be tolerated by in silico analysis. Since supporting evidence is limited at this time, the clinical significance of this alteration remains unclear.

Baylor Genetics
Classification: Uncertain significance for Breast-ovarian cancer, familial, susceptibility to, 4. Last evaluated: 2023-08-09. Review status: criteria provided, single submitter. Criteria: ACMG Guidelines, 2015. Collection method: clinical testing. Allele origin: unknown.

NM_002878.4(RAD51D):c.34C>T (p.Leu12Phe)

Genes: RAD51D (RAD51 paralog D; minus strand), RAD51L3-RFFL (RAD51L3-RFFL readthrough; minus strand). Cytogenetic location: 17q12.
Variant type: single nucleotide variant.
Coding change: c.34C>T on transcript NM_002878.4 (MANE Select); coding-DNA position 34, C replaced by T.
Protein change: p.Leu12Phe; replaces leucine 12 with phenylalanine.
Molecular consequence: missense variant. On other transcripts: non-coding transcript variant (2).
Genome position (GRCh38, 1-based): chr17:35,119,580, G>A on the plus strand (C>T on the coding strand, the complement: RAD51D is on the minus strand). VCF-style: chr17-35119580-G-A. GRCh37 (hg19) VCF-style: chr17-33446599-G-A.
Other names: c.34C>T, p.Leu12Phe (NM_001142571.2, NM_133629.3); short protein forms L12F.
Identifiers: ClinVar variation 823855 (VCV000823855.11), dbSNP rs773065220, ClinGen allele CA399092500.
Genomic context (GRCh38, chr17:35,119,580, plus strand): 5'-ACACCCGGTCACCTGTCTTGATCCTGTGGCTCCTGAGAAGCTGGATCATCTCCTCGGTAA[G>A]GCCAGGGCACAGTCCGACCCTGAGCACGCCCATGTTCCCCGCAGGCCGGAACAGCCCCAG-3'
Protein context (NP_002869.3, residues 2-22): GVLRVGLCPG[Leu12Phe]TEEMIQLLRS